The following is an entry in ClinVar:

NM_001377229.1(DISP1):c.1292T>C (p.Leu431Ser)

Gene: DISP1 (dispatched RND transporter family member 1; plus strand). Cytogenetic location: 1q41.
Variant type: single nucleotide variant.
Coding change: c.1292T>C on transcript NM_001377229.1 (MANE Select); coding-DNA position 1292, T replaced by C.
Protein change: p.Leu431Ser; replaces leucine 431 with serine.
Molecular consequence: missense variant.
Genome position (GRCh38, 1-based): chr1:223,002,689, T>C. VCF-style: chr1-223002689-T-C. GRCh37 (hg19) VCF-style: chr1-223176031-T-C.
Other names: c.563T>C, p.Leu188Ser (NM_001350630.2); c.1292T>C, p.Leu431Ser (NM_001369594.1, NM_001377228.1, NM_032890.5); short protein forms L188S, L431S.
Identifiers: ClinVar variation 1307783 (VCV001307783.4), dbSNP rs1454626478, ClinGen allele CA344678885.

ClinVar aggregate classification (germline): Uncertain significance (1 of 4 stars; one submission).

Allele frequency attached by ClinVar (database versions not stated): TOPMed 0.00001; gnomAD exomes below 0.00001; gnomAD 0.00001.
gnomAD v4.1: 4 of 1,614,048 alleles (0.00025%); highest among the groups gnomAD compares: South Asian, 0.0011%; no homozygotes.

Submission:

GeneDx
Classification: Uncertain significance. Last evaluated: 2026-08-13. Review status: criteria provided, single submitter. Criteria: GeneDx Variant Classification Process June 2021. Collection method: clinical testing. Allele origin: germline.
Comment: Not observed at significant frequency in large population cohorts (gnomAD); In silico analysis supports that this missense variant has a deleterious effect on protein structure/function; Has not been previously published as pathogenic or benign to our knowledge